The following is an entry in ClinVar:

ClinVar aggregate classification (germline): Uncertain significance (1 of 4 stars; one submission).

Conditions:
Periodontitis, aggressive. Identifiers: MedGen C0031106, MONDO:0980757.
Haim-Munk syndrome (HMS). Also called: COCHIN JEWISH DISORDER; KERATOSIS PALMOPLANTARIS WITH PERIODONTOPATHIA AND ONYCHOGRYPOSIS. Identifiers: Orphanet 2342, MedGen C1855627, MONDO:0009491, OMIM 245010.
Papillon-Lefèvre syndrome (PALS). Also called: Papillon-Lefevre Disease; KERATOSIS PALMOPLANTARIS WITH PERIODONTOPATHIA. Identifiers: Orphanet 678, MedGen C0030360, MONDO:0009490, OMIM 245000.

Allele frequency attached by ClinVar (database versions not stated): gnomAD exomes 0.00005; TOPMed 0.00002; gnomAD 0.00001; ExAC 0.00004.
gnomAD v4.1: 78 of 1,579,586 alleles (0.0049%); highest among the groups gnomAD compares: Non-Finnish European, 0.0063%; no homozygotes.

Submission:

Labcorp Genetics (formerly Invitae), Labcorp
Classification: Uncertain significance for Haim-Munk syndrome; Periodontitis, aggressive; Papillon-Lefèvre syndrome. Last evaluated: 2022-06-20. Review status: criteria provided, single submitter. Criteria: Invitae Variant Classification Sherloc (09022015). Collection method: clinical testing. Allele origin: germline.
Comment: This sequence change replaces cysteine, which is neutral and slightly polar, with tyrosine, which is neutral and polar, at codon 24 of the CTSC protein (p.Cys24Tyr). The frequency data for this variant in the population databases is considered unreliable, as metrics indicate poor data quality at this position in the gnomAD database. This variant has not been reported in the literature in individuals affected with CTSC-related conditions. ClinVar contains an entry for this variant (Variation ID: 534587). Algorithms developed to predict the effect of missense changes on protein structure and function are either unavailable or do not agree on the potential impact of this missense change (SIFT: "Not Available"; PolyPhen-2: "Benign"; Align-GVGD: "Not Available"). In summary, the available evidence is currently insufficient to determine the role of this variant in disease. Therefore, it has been classified as a Variant of Uncertain Significance.

NM_001814.6(CTSC):c.71G>A (p.Cys24Tyr)

Genes: CTSC (cathepsin C; minus strand), LOC130006572 (ATAC-STARR-seq lymphoblastoid active region 5382; plus strand). Cytogenetic location: 11q14.2.
Variant type: single nucleotide variant.
Coding change: c.71G>A on transcript NM_001814.6 (MANE Select); coding-DNA position 71, G replaced by A.
Protein change: p.Cys24Tyr; replaces cysteine 24 with tyrosine.
Molecular consequence: missense variant.
Genome position (GRCh38, 1-based): chr11:88,337,602, C>T on the plus strand (G>A on the coding strand, the complement: CTSC is on the minus strand). VCF-style: chr11-88337602-C-T. GRCh37 (hg19) VCF-style: chr11-88070770-C-T.
Other names: c.71G>A, p.Cys24Tyr (NM_001114173.3, NM_148170.5); short protein forms C24Y.
Identifiers: ClinVar variation 534587 (VCV000534587.6), dbSNP rs748781412, ClinGen allele CA6220147.
Genomic context (GRCh38, chr11:88,337,602, plus strand): 5'-CCCACCTGGAAGACCCAGGTGCCCAGCAGGTCAAGATAGGTGCAGTTGGCAGGTGTGTCG[C>T]AGCGCACGGCGCCGTCGCCGGAGAGAAGCAGCAGGAGGGCGGCGAGCAGCAAGGAGGGCC-3'
Protein context (NP_001805.4, residues 14-34): LLLSGDGAVR[Cys24Tyr]DTPANCTYLD